The following is an entry in ClinVar:

NM_001164508.2(NEB):c.9176A>G (p.Lys3059Arg)

Gene: NEB (nebulin; minus strand). Cytogenetic location: 2q23.3.
Variant type: single nucleotide variant.
Coding change: c.9176A>G on transcript NM_001164508.2 (MANE Select); coding-DNA position 9176, A replaced by G.
Protein change: p.Lys3059Arg; replaces lysine 3059 with arginine.
Molecular consequence: missense variant. On other transcripts: intron variant (1).
Genome position (GRCh38, 1-based): chr2:151,633,892, T>C on the plus strand (A>G on the coding strand, the complement: NEB is on the minus strand). VCF-style: chr2-151633892-T-C. GRCh37 (hg19) VCF-style: chr2-152490406-T-C.
Other names: c.9176A>G, p.Lys3059Arg (NM_001164507.2, NM_001271208.2); c.8854-2714A>G (NM_004543.5); short protein forms K3059R.
Identifiers: ClinVar variation 2144994 (VCV002144994.1), dbSNP rs897900225, ClinGen allele CA57658785.
Genomic context (GRCh38, chr2:151,633,892, plus strand): 5'-AAGTCCTTTTTGTACTCCCTGTCACTCTGGATCTTGGCTACGTGCATGGACCACATCATC[T>C]TGGGGTCATCTTCAATGTTCCGGGCTCCAATATGGTGGCCAAGTTGCTTGCAGTAACCAT-3'
Protein context (NP_001157980.2, residues 3049-3069): IGARNIEDDP[Lys3059Arg]MMWSMHVAKI

ClinVar aggregate classification (germline): Uncertain significance (1 of 4 stars; one submission).

Conditions:
Nemaline myopathy 2 (NEM2). Also called: Nemaline myopathy 2, autosomal recessive. Identifiers: MedGen C1850569, MONDO:0009725, OMIM 256030.

Allele frequency attached by ClinVar (database versions not stated): gnomAD exomes 0.00001; TOPMed 0.00001; gnomAD 0.00002.
gnomAD v4.1: 21 of 1,613,926 alleles (0.0013%); highest among the groups gnomAD compares: Non-Finnish European, 0.0018%; no homozygotes.

Submission:

Labcorp Genetics (formerly Invitae), Labcorp
Classification: Uncertain significance for Nemaline myopathy 2. Last evaluated: 2022-02-03. Review status: criteria provided, single submitter. Criteria: Invitae Variant Classification Sherloc (09022015). Collection method: clinical testing. Allele origin: germline.
Comment: This sequence change replaces lysine, which is basic and polar, with arginine, which is basic and polar, at codon 3059 of the NEB protein (p.Lys3059Arg). The frequency data for this variant in the population databases is considered unreliable, as metrics indicate poor data quality at this position in the gnomAD database. This variant has not been reported in the literature in individuals affected with NEB-related conditions. Algorithms developed to predict the effect of missense changes on protein structure and function are either unavailable or do not agree on the potential impact of this missense change (SIFT: "Deleterious"; PolyPhen-2: "Not Available"; Align-GVGD: "Class C0"). In summary, the available evidence is currently insufficient to determine the role of this variant in disease. Therefore, it has been classified as a Variant of Uncertain Significance.